The following is an entry in ClinVar:

ClinVar aggregate classification (germline): Uncertain significance (1 of 4 stars; one submission).

Conditions:
Inborn genetic diseases. Identifiers: MedGen C0950123, MeSH D030342.

Allele frequency attached by ClinVar (database versions not stated): TOPMed below 0.00001.

Submission:

Ambry Genetics
Classification: Uncertain significance for Inborn genetic diseases. Last evaluated: 2021-03-26. Review status: criteria provided, single submitter. Criteria: Ambry Variant Classification Scheme 2023. Collection method: clinical testing. Allele origin: germline.
Comment: The c.41A>G (p.Y14C) alteration is located in exon 3 (coding exon 1) of the QRICH1 gene. This alteration results from an A to G substitution at nucleotide position 41, causing the tyrosine (Y) at amino acid position 14 to be replaced by a cysteine (C). Based on data from the Genome Aggregation Database (gnomAD), the QRICH1 c.41A>G alteration was not observed, with coverage at this position. The p.Y14 amino acid is conserved in higher vertebrate species. The p.Y14C alteration is predicted to be tolerated by in silico analysis. Based on insufficient or conflicting evidence, the clinical significance of this alteration remains unclear.

NM_198880.3(QRICH1):c.41A>G (p.Tyr14Cys)

Gene: QRICH1 (glutamine rich 1; minus strand). Cytogenetic location: 3p21.31.
Variant type: single nucleotide variant.
Coding change: c.41A>G on transcript NM_198880.3 (MANE Select); coding-DNA position 41, A replaced by G.
Protein change: p.Tyr14Cys; replaces tyrosine 14 with cysteine.
Molecular consequence: missense variant.
Genome position (GRCh38, 1-based): chr3:49,076,977, T>C on the plus strand (A>G on the coding strand, the complement: QRICH1 is on the minus strand). VCF-style: chr3-49076977-T-C. GRCh37 (hg19) VCF-style: chr3-49114410-T-C.
Other names: c.41A>G, p.Tyr14Cys (NM_001320580.2, NM_001320581.2, NM_001320582.2 and 4 more transcripts); short protein forms Y14C.
Identifiers: ClinVar variation 2211244 (VCV002211244.2), dbSNP rs1206303271, ClinGen allele CA352687903.
Genomic context (GRCh38, chr3:49,076,977, plus strand): 5'-AGTGAGTCCAGAAATTCCTTCATCCTGTGTTGCGGGACAGACCGTGCCTTTACTCGGATG[T>C]ACTCTTCAAAGGAGATGGTGTTCTCTAGGGAATTATTCATATTGCAGAGTCCTTAGGGTT-3'
Protein context (NP_942581.1, residues 4-24): SLENTISFEE[Tyr14Cys]IRVKARSVPQ